The following is an entry in ClinVar:

NM_002156.5(HSPD1):c.1681A>G (p.Met561Val)

Gene: HSPD1 (heat shock protein family D (Hsp60) member 1; minus strand). Cytogenetic location: 2q33.1.
Variant type: single nucleotide variant.
Coding change: c.1681A>G on transcript NM_002156.5 (MANE Select); coding-DNA position 1681, A replaced by G.
Protein change: p.Met561Val; replaces methionine 561 with valine.
Molecular consequence: missense variant.
Genome position (GRCh38, 1-based): chr2:197,487,087, T>C on the plus strand (A>G on the coding strand, the complement: HSPD1 is on the minus strand). VCF-style: chr2-197487087-T-C. GRCh37 (hg19) VCF-style: chr2-198351811-T-C.
Other names: c.1681A>G, p.Met561Val (NM_199440.2); short protein forms M561V.
Identifiers: ClinVar variation 800207 (VCV000800207.12), dbSNP rs371969794, ClinGen allele CA2043309.

ClinVar aggregate classification (germline): Likely benign. Review status: criteria provided, multiple submitters, no conflicts (2 of 4 stars). 2 submissions from 2 submitters: Likely benign (2). Last evaluated 2026-01-26.

Conditions:
Spastic paraplegia. Identifiers: MedGen C0037772, HP:0001258.
Leukodystrophy, hypomyelinating, 4. Also called: MITCHAP60 DISEASE; MITOCHONDRIAL HSP60 CHAPERONOPATHY. Identifiers: Orphanet 280270, Orphanet 280288, MedGen C2677109, MONDO:0012824, OMIM 612233.

Allele frequency attached by ClinVar (database versions not stated): ESP Exome Variant Server 0.00016; gnomAD 0.00026; TOPMed 0.00029; ExAC 0.00042; 1000 Genomes Project 0.00120; 1000 Genomes Project 30x 0.00141.
gnomAD v4.1: 311 of 1,537,316 alleles (0.02%); highest among the groups gnomAD compares: South Asian, 0.18%; 2 homozygotes.

Submissions (2):

Labcorp Genetics (formerly Invitae), Labcorp
Classification: Likely benign for Spastic paraplegia. Last evaluated: 2026-01-26. Review status: criteria provided, single submitter. Criteria: Invitae Variant Classification Sherloc (09022015). Collection method: clinical testing. Allele origin: germline.

Centre for Mendelian Genomics, University Medical Centre Ljubljana
Classification: Likely benign for Leukodystrophy, hypomyelinating, 4. Last evaluated: 2018-11-16. Review status: criteria provided, single submitter. Criteria: ACMG Guidelines, 2015. Collection method: clinical testing. Allele origin: unknown. Affected: yes.
Comment: This variant was classified as: Likely benign. The following ACMG criteria were applied in classifying this variant: BS1,BP4.